The following is an entry in ClinVar:

ClinVar aggregate classification (germline): Conflicting classifications of pathogenicity. Review status: criteria provided, conflicting classifications (1 of 4 stars). 3 submissions from 3 submitters: Uncertain significance (1); Benign (1); Likely benign (1). Last evaluated 2025-05-27.

Conditions:
Inborn genetic diseases. Identifiers: MedGen C0950123, MeSH D030342.
Progressive myoclonic epilepsy. Also called: Familial progressive myoclonic epilepsy; Myoclonic Epilepsies, Progressive; Myoclonus epilepsy; Progressive myoclonus epilepsy. Identifiers: Orphanet 308, Orphanet 98261, MedGen C0751778, MONDO:0020074.

Allele frequency attached by ClinVar (database versions not stated): 1000 Genomes Project 30x 0.00047; 1000 Genomes Project 0.00060.
gnomAD v4.1: 221 of 1,613,566 alleles (0.014%); highest among the groups gnomAD compares: South Asian, 0.23%; 6 homozygotes.

Submissions (3):

Labcorp Genetics (formerly Invitae), Labcorp
Classification: Benign for Progressive myoclonic epilepsy. Last evaluated: 2025-05-27. Review status: criteria provided, single submitter. Criteria: Invitae Variant Classification Sherloc (09022015). Collection method: clinical testing. Allele origin: germline.

GeneDx
Classification: Likely benign. Last evaluated: 2020-08-24. Review status: criteria provided, single submitter. Criteria: GeneDx Variant Classification Process June 2021. Collection method: clinical testing. Allele origin: germline. Affected: yes.

Ambry Genetics
Classification: Uncertain significance for Inborn genetic diseases. Last evaluated: 2018-02-14. Review status: criteria provided, single submitter. Criteria: Ambry Variant Classification Scheme 2023. Collection method: clinical testing. Allele origin: germline.
Comment: The p.D71E variant (also known as c.213C>A), located in coding exon 4 of the GOSR2 gene, results from a C to A substitution at nucleotide position 213. The aspartic acid at codon 71 is replaced by glutamic acid, an amino acid with highly similar properties. This amino acid position is highly conserved in available vertebrate species. In addition, this alteration is predicted to be tolerated by in silico analysis. Since supporting evidence is limited at this time, the clinical significance of this alteration remains unclear.

NM_004287.5(GOSR2):c.213C>A (p.Asp71Glu)

Genes: GOSR2 (golgi SNAP receptor complex member 2; plus strand), LRRC37A2 (leucine rich repeat containing 37 member A2), LOC126862578 (BRD4-independent group 4 enhancer GRCh37_chr17:45008344-45009543; plus strand). Cytogenetic location: 17q21.32.
Variant type: single nucleotide variant.
Coding change: c.213C>A on transcript NM_004287.5 (MANE Select); coding-DNA position 213, C replaced by A.
Protein change: p.Asp71Glu; replaces aspartic acid 71 with glutamic acid.
Molecular consequence: missense variant. On other transcripts: non-coding transcript variant (3).
Genome position (GRCh38, 1-based): chr17:46,932,076, C>A. VCF-style: chr17-46932076-C-A. GRCh37 (hg19) VCF-style: chr17-45009442-C-A.
Other names: c.213C>A, p.Asp71Glu (NM_001012511.3, NM_001321133.2, NM_001330252.2 and 1 more transcripts); c.159C>A, p.Asp53Glu (NM_001321134.2, NM_001363851.2); c.210C>A, p.Asp70Glu (NM_001353114.2, NM_001353115.2, NM_001353116.2); short protein forms D71E, D70E, D53E.
Identifiers: ClinVar variation 588743 (VCV000588743.16), dbSNP rs199930484, ClinGen allele CA8621212.